The following is an entry in ClinVar:

NM_005045.4(RELN):c.9634G>A (p.Gly3212Arg)

Genes: RELN (reelin; minus strand), SLC26A5-AS1 (SLC26A5 antisense RNA 1; plus strand), LOC126860130 (BRD4-independent group 4 enhancer GRCh37_chr7:103130126-103131325; plus strand). Cytogenetic location: 7q22.1.
Variant type: single nucleotide variant.
Coding change: c.9634G>A on transcript NM_005045.4 (MANE Select); coding-DNA position 9634, G replaced by A.
Protein change: p.Gly3212Arg; replaces glycine 3212 with arginine.
Molecular consequence: missense variant.
Genome position (GRCh38, 1-based): chr7:103,489,871, C>T on the plus strand (G>A on the coding strand, the complement: RELN is on the minus strand). VCF-style: chr7-103489871-C-T. GRCh37 (hg19) VCF-style: chr7-103130318-C-T.
Other names: c.9634G>A, p.Gly3212Arg (NM_173054.3); short protein forms G3212R.
Identifiers: ClinVar variation 1028331 (VCV001028331.2), dbSNP rs1828588593, ClinGen allele CA368744187.

ClinVar aggregate classification (germline): Uncertain significance. Review status: criteria provided, multiple submitters, no conflicts (2 of 4 stars). 2 submissions from 2 submitters: Uncertain significance (2). Last evaluated 2025-10-24.

Conditions:
Familial temporal lobe epilepsy 7. Identifiers: Orphanet 101046, MedGen C4225327, MONDO:0014639, OMIM 616436.

Allele frequency attached by ClinVar (database versions not stated): gnomAD exomes below 0.00001.
gnomAD v4.1: 1 of 1,614,158 alleles (0.000062%); highest among the groups gnomAD compares: East Asian, 0.0022%; no homozygotes.

Submissions (2):

Women's Health and Genetics/Laboratory Corporation of America, LabCorp
Classification: Uncertain significance. Last evaluated: 2025-10-24. Review status: criteria provided, single submitter. Criteria: LabCorp Variant Classification Summary - May 2015. Collection method: clinical testing. Allele origin: germline.
Comment: Variant summary: RELN c.9634G>A (p.Gly3212Arg) results in a non-conservative amino acid change in the encoded protein sequence. Algorithms developed to predict the effect of missense changes on protein structure and function are either unavailable or do not agree on the potential impact of this missense change. The variant was absent in 251230 control chromosomes. The available data on variant occurrences in the general population are insufficient to allow any conclusion about variant significance. To our knowledge, no occurrence of c.9634G>A in individuals affected with RELN-related conditions and no experimental evidence demonstrating its impact on protein function have been reported. ClinVar contains an entry for this variant (Variation ID: 1028331). Based on the evidence outlined above, the variant was classified as uncertain significance.

Baylor Genetics
Classification: Uncertain significance for Familial temporal lobe epilepsy 7. Last evaluated: 2020-11-13. Review status: criteria provided, single submitter. Criteria: ACMG Guidelines, 2015. Collection method: clinical testing. Allele origin: unknown. Affected: yes.
Comment: This variant was determined to be of uncertain significance according to ACMG Guidelines, 2015 [PMID:25741868].